The following is an entry in ClinVar:

NM_000490.5(AVP):c.287G>A (p.Gly96Asp)

Gene: AVP (arginine vasopressin; minus strand). Cytogenetic location: 20p13.
Variant type: single nucleotide variant.
Coding change: c.287G>A on transcript NM_000490.5 (MANE Select); coding-DNA position 287, G replaced by A.
Protein change: p.Gly96Asp; replaces glycine 96 with aspartic acid.
Molecular consequence: missense variant.
Genome position (GRCh38, 1-based): chr20:3,083,012, C>T on the plus strand (G>A on the coding strand, the complement: AVP is on the minus strand). VCF-style: chr20-3083012-C-T. GRCh37 (hg19) VCF-style: chr20-3063658-C-T.
Other names: short protein forms G96D.
Identifiers: ClinVar variation 3358364 (VCV003358364.3).

ClinVar aggregate classification (germline): Pathogenic/Likely pathogenic. Review status: criteria provided, multiple submitters, no conflicts (2 of 4 stars). 3 submissions from 3 submitters: Pathogenic (1); Likely pathogenic (1). 1 of the submissions does not count toward it. Last evaluated 2024-09-06.

Conditions:
Neurohypophyseal diabetes insipidus. Also called: DIABETES INSIPIDUS, PRIMARY CENTRAL; Diabetes Insipidus, Neurogenic; Hereditary arginine vasopressin deficiency. Identifiers: Orphanet 178029, Orphanet 30925, MedGen C0342394, MONDO:0007450, OMIM 125700.
AVP-related disorder. Also called: AVP-related condition.

Submissions (3):

Rady Children's Institute for Genomic Medicine, Rady Children's Hospital San Diego
Classification: Likely pathogenic for DIABETES INSIPIDUS, NEUROHYPOPHYSEAL TYPE. Last evaluated: 2024-09-06. Review status: criteria provided, single submitter. Criteria: ACMG Guidelines, 2015. Collection method: clinical testing. Allele origin: germline. Affected: yes.
Comment: This variant is also referred to as c.1884G>A (p.Gly96Asp) in the literature. The c.287G>A (p.Gly96Asp) variant affects a highly conserved amino acid and is predicted by multiple in silico tools to have a deleterious effect on protein function. This variant has been previously reported in patients with neurohypophyseal diabetes insipidus (PMID: 14673472, 24825090). The c.287G>A (p.Gly96Asp) variant segregated within a family with neurohypophyseal diabetes insipidus (PMID: 19129716). Different amino acid changes at the same residue (p.Gly96Val) have been previously reported in individuals with neurohypophyseal diabetes insipidus (PMID: 8626836, 8706292). Functional studies indicate this variant may lead to reduced vasopressin secretion (PMID: 19129716). The c.287G>A (p.Gly96Asp) variant is absent from the latest version of the gnomAD population database and thus is presumed to be rare. Based on the available evidence, c.287G>A (p.Gly96Asp) is classified as Likely Pathogenic.

Blueprint Genetics
Classification: Pathogenic for AVP-related disorders. Last evaluated: 2021-04-07. Review status: criteria provided, single submitter. Criteria: ACMG Guidelines, 2015. Collection method: clinical testing. Allele origin: germline. Affected: yes. Observed: 5 variant alleles.

PreventionGenetics, part of Exact Sciences
Classification: Likely pathogenic for AVP-related condition. Last evaluated: 2024-05-02. Review status: no assertion criteria provided. Collection method: clinical testing. Allele origin: germline. Not counted in ClinVar's aggregate classification.
Comment: The AVP c.287G>A variant is predicted to result in the amino acid substitution p.Gly96Asp. This variant is also referred to as g.1884G>A in the literature. It has been reported to segregate with disease in families with neurohypophyseal diabetes insipidus (Christensen et al. 2004. PubMed ID: 14673472; Hedrich et al. 2009. PubMed ID: 19129716; Brugnara et al. 2014. PubMed ID: 24825090). In vitro experimental studies suggest this variant impacts protein function (Hedrich et al. 2009. PubMed ID: 19129716). Another nucleotide substitution affecting this amino acid (p.Gly96Val) has also been reported in individuals with neurohypophyseal diabetes insipidus (Rauch et al. 1996. PubMed ID: 8706292). This variant has not been reported in a large population database, indicating this variant is rare. This variant is interpreted as likely pathogenic.